The following is an entry in ClinVar:

ClinVar aggregate classification (germline): Uncertain significance (1 of 4 stars; one submission).

Conditions:
Hereditary cancer-predisposing syndrome. Also called: Tumor predisposition; Hereditary neoplastic syndrome; Hereditary Cancer Syndrome; Neoplastic Syndromes, Hereditary. Identifiers: Orphanet 140162, MedGen C0027672, MeSH D009386, MONDO:0015356.

Submission:

Ambry Genetics
Classification: Uncertain significance for Hereditary cancer-predisposing syndrome. Last evaluated: 2025-04-18. Review status: criteria provided, single submitter. Criteria: Ambry Variant Classification Scheme 2023. Collection method: clinical testing. Allele origin: germline.
Comment: The p.K44N variant (also known as c.132G>T), located in coding exon 1 of the STK11 gene, results from a G to T substitution at nucleotide position 132. The lysine at codon 44 is replaced by asparagine, an amino acid with similar properties. This amino acid position is conserved. In addition, the in silico prediction for this alteration is inconclusive. Based on the available evidence, the clinical significance of this variant remains unclear.

NM_000455.5(STK11):c.132G>T (p.Lys44Asn)

Gene: STK11 (serine/threonine kinase 11; plus strand). Cytogenetic location: 19p13.3.
Variant type: single nucleotide variant.
Coding change: c.132G>T on transcript NM_000455.5 (MANE Select); coding-DNA position 132, G replaced by T.
Protein change: p.Lys44Asn; replaces lysine 44 with asparagine.
Molecular consequence: missense variant. On other transcripts: non-coding transcript variant (1).
Genome position (GRCh38, 1-based): chr19:1,207,045, G>T. VCF-style: chr19-1207045-G-T. GRCh37 (hg19) VCF-style: chr19-1207044-G-T.
Other names: c.132G>T, p.Lys44Asn (NM_001407255.1); short protein forms K44N.
Identifiers: ClinVar variation 3963265 (VCV003963265.1).
Genomic context (GRCh38, chr19:1,207,045, plus strand): 5'-GTTCATCCACCGCATCGACTCCACCGAGGTCATCTACCAGCCGCGCCGCAAGCGGGCCAA[G>T]CTCATCGGCAAGTACCTGATGGGGGACCTGCTGGGGGAAGGCTCTTACGGCAAGGTGAAG-3'
Protein context (NP_000446.1, residues 34-54): VIYQPRRKRA[Lys44Asn]LIGKYLMGDL